The following is an entry in ClinVar:

ClinVar aggregate classification (germline): Conflicting classifications of pathogenicity. Review status: criteria provided, conflicting classifications (1 of 4 stars). 4 submissions from 4 submitters: Uncertain significance (2); Likely benign (1). 1 of the submissions does not count toward it. Last evaluated 2024-08-13.

Conditions:
ADCY5-related disorder. Also called: ADCY5-related condition.
Inborn genetic diseases. Identifiers: MedGen C0950123, MeSH D030342.

Allele frequency attached by ClinVar (database versions not stated): 1000 Genomes Project 0.00020; 1000 Genomes Project 30x 0.00031; ESP Exome Variant Server 0.00039; gnomAD 0.00040 and 0.00043; TOPMed 0.00041.
gnomAD v4.1: 111 of 1,608,850 alleles (0.0069%); highest among the groups gnomAD compares: African/African-American, 0.14%; no homozygotes.

Submissions (4):

Labcorp Genetics (formerly Invitae), Labcorp
Classification: Likely benign. Last evaluated: 2024-08-13. Review status: criteria provided, single submitter. Criteria: Invitae Variant Classification Sherloc (09022015). Collection method: clinical testing. Allele origin: germline.

GeneDx
Classification: Uncertain significance. Last evaluated: 2022-06-21. Review status: criteria provided, single submitter. Criteria: GeneDx Variant Classification Process June 2021. Collection method: clinical testing. Allele origin: germline. Affected: yes.
Comment: In silico analysis supports that this missense variant does not alter protein structure/function; Has not been previously published as pathogenic or benign to our knowledge

Ambry Genetics
Classification: Uncertain significance for Inborn genetic diseases. Last evaluated: 2021-07-26. Review status: criteria provided, single submitter. Criteria: Ambry Variant Classification Scheme 2023. Collection method: clinical testing. Allele origin: germline.

PreventionGenetics, part of Exact Sciences
Classification: Likely benign for ADCY5-related condition. Last evaluated: 2022-04-28. Review status: no assertion criteria provided. Collection method: clinical testing. Allele origin: germline. Not counted in ClinVar's aggregate classification.
Comment: This variant is classified as likely benign based on ACMG/AMP sequence variant interpretation guidelines (Richards et al. 2015 PMID: 25741868, with internal and published modifications).

NM_183357.3(ADCY5):c.910G>A (p.Ala304Thr)

Gene: ADCY5 (adenylate cyclase 5; minus strand). Cytogenetic location: 3q21.1.
Variant type: single nucleotide variant.
Coding change: c.910G>A on transcript NM_183357.3 (MANE Select); coding-DNA position 910, G replaced by A.
Protein change: p.Ala304Thr; replaces alanine 304 with threonine.
Molecular consequence: missense variant.
Genome position (GRCh38, 1-based): chr3:123,447,636, C>T on the plus strand (G>A on the coding strand, the complement: ADCY5 is on the minus strand). VCF-style: chr3-123447636-C-T. GRCh37 (hg19) VCF-style: chr3-123166483-C-T.
Other names: c.910G>A, p.Ala304Thr (NM_001378259.1); short protein forms A304T.
Identifiers: ClinVar variation 748208 (VCV000748208.13), dbSNP rs138488088, ClinGen allele CA2577615.